The following is an entry in ClinVar:

NM_001386140.1(MTTP):c.2661T>A (p.Asp887Glu)

Gene: MTTP (microsomal triglyceride transfer protein; plus strand). Cytogenetic location: 4q23.
Variant type: single nucleotide variant.
Coding change: c.2661T>A on transcript NM_001386140.1 (MANE Select); coding-DNA position 2661, T replaced by A.
Protein change: p.Asp887Glu; replaces aspartic acid 887 with glutamic acid.
Molecular consequence: missense variant.
Genome position (GRCh38, 1-based): chr4:99,622,824, T>A. VCF-style: chr4-99622824-T-A. GRCh37 (hg19) VCF-style: chr4-100543981-T-A.
Other names: c.2661T>A, p.Asp887Glu (NM_000253.4); c.2412T>A, p.Asp804Glu (NM_001300785.2); short protein forms D804E, D887E.
Identifiers: ClinVar variation 1367537 (VCV001367537.3), dbSNP rs531134070, ClinGen allele CA3022425.

ClinVar aggregate classification (germline): Uncertain significance (1 of 4 stars; one submission).

gnomAD v4.1: 1 of 1,614,112 alleles (0.000062%); highest among the groups gnomAD compares: Admixed American, 0.0017%; no homozygotes.

Submission:

Labcorp Genetics (formerly Invitae), Labcorp
Classification: Uncertain significance. Last evaluated: 2021-10-11. Review status: criteria provided, single submitter. Criteria: Invitae Variant Classification Sherloc (09022015). Collection method: clinical testing. Allele origin: germline.
Comment: This sequence change replaces aspartic acid with glutamic acid at codon 887 of the MTTP protein (p.Asp887Glu). The aspartic acid residue is weakly conserved and there is a small physicochemical difference between aspartic acid and glutamic acid. This variant is present in population databases (rs531134070, ExAC 0.009%). This variant has not been reported in the literature in individuals with MTTP-related conditions. Algorithms developed to predict the effect of missense changes on protein structure and function output the following: SIFT: "Tolerated"; PolyPhen-2: "Benign"; Align-GVGD: "Class C0". The glutamic acid amino acid residue is found in multiple mammalian species, suggesting that this missense change does not adversely affect protein function. These predictions have not been confirmed by published functional studies and their clinical significance is uncertain. In summary, the available evidence is currently insufficient to determine the role of this variant in disease. Therefore, it has been classified as a Variant of Uncertain Significance.